The following is an entry in ClinVar:

NM_001163809.2(WDR81):c.3532G>A (p.Ala1178Thr)

Gene: WDR81 (WD repeat domain 81; plus strand). Cytogenetic location: 17p13.3.
Variant type: single nucleotide variant.
Coding change: c.3532G>A on transcript NM_001163809.2 (MANE Select); coding-DNA position 3532, G replaced by A.
Protein change: p.Ala1178Thr; replaces alanine 1178 with threonine.
Molecular consequence: missense variant. On other transcripts: intron variant (2).
Genome position (GRCh38, 1-based): chr17:1,728,491, G>A. VCF-style: chr17-1728491-G-A. GRCh37 (hg19) VCF-style: chr17-1631785-G-A.
Other names: p.Ala1178Thr; c.379G>A, p.Ala127Thr (NM_152348.4); c.59-1889G>A (NM_001163673.2); c.-14-1889G>A (NM_001163811.2); short protein forms A1178T, A127T.
Identifiers: ClinVar variation 235691 (VCV000235691.54), dbSNP rs151330612, ClinGen allele CA8273274.

ClinVar aggregate classification (germline): Conflicting classifications of pathogenicity. Review status: criteria provided, conflicting classifications (1 of 4 stars). 10 submissions from 10 submitters: Uncertain significance (4); Likely benign (6). Last evaluated 2026-10-20.

Conditions:
Hydrocephalus, congenital, 3, with brain anomalies. Also called: HYDROCEPHALUS, NONSYNDROMIC, AUTOSOMAL RECESSIVE 3. Identifiers: MedGen C4747885, MONDO:0054794, OMIM 617967.
Cerebellar ataxia, impaired intellectual development, and dysequilibrium syndrome 2. Also called: Cerebellar ataxia, intellectual disability, and dysequilibrium syndrome 2; CEREBELLAR ATAXIA, MENTAL RETARDATION, AND DYSEQUILIBRIUM SYNDROME 2; CEREBELLAR ATAXIA AND MENTAL RETARDATION WITH OR WITHOUT QUADRUPEDAL LOCOMOTION 2. Identifiers: Orphanet 1766, MedGen C2750234, MONDO:0012430, OMIM 610185.
Inborn genetic diseases. Identifiers: MedGen C0950123, MeSH D030342.
WDR81-related disorder. Also called: WDR81-related condition.

Allele frequency attached by ClinVar (database versions not stated): ESP Exome Variant Server 0.00108; 1000 Genomes Project 30x 0.00109; gnomAD exomes 0.00114 and 0.00176; 1000 Genomes Project 0.00120; gnomAD 0.00121; TOPMed 0.00126; ExAC 0.00161.
gnomAD v4.1: 2,725 of 1,598,926 alleles (0.17%); highest among the groups gnomAD compares: Non-Finnish European, 0.21%; 2 homozygotes.

Submissions (10):

GeneDx
Classification: Uncertain significance. Last evaluated: 2026-10-20. Review status: criteria provided, single submitter. Criteria: GeneDx Variant Classification Process June 2021. Collection method: clinical testing. Allele origin: germline.
Comment: In silico analysis suggests that this missense variant does not alter protein structure/function; Has not been previously published as pathogenic or benign to our knowledge

CeGaT Center for Human Genetics Tuebingen
Classification: Likely benign. Last evaluated: 2026-09-01. Review status: criteria provided, single submitter. Criteria: CeGaT Center For Human Genetics Tuebingen Variant Classification Criteria Version 2. Collection method: clinical testing. Allele origin: germline. Affected: yes. Observed: 8 variant alleles.
Comment: WDR81: BP4, BS1

PreventionGenetics, part of Exact Sciences
Classification: Likely benign for WDR81-related condition. Last evaluated: 2025-09-16. Review status: criteria provided, single submitter. Criteria: ACMG Guidelines, 2015. Collection method: clinical testing. Allele origin: germline.
Comment: This variant is classified as likely benign based on ACMG/AMP sequence variant interpretation guidelines (Richards et al. 2015 PMID: 25741868, with internal and published modifications).

Mayo Clinic Laboratories, Mayo Clinic
Classification: Likely benign. Last evaluated: 2025-09-08. Review status: criteria provided, single submitter. Criteria: ACMG Guidelines, 2015. Collection method: clinical testing. Allele origin: germline. Observed: 1 variant allele.
Comment: BS1, BP4_moderate

Blueprint Genetics
Classification: Likely benign. Last evaluated: 2024-10-14. Review status: criteria provided, single submitter. Criteria: ACMG Guidelines, 2015. Collection method: clinical testing. Allele origin: germline.

Ambry Genetics
Classification: Likely benign for Inborn genetic diseases. Last evaluated: 2022-09-28. Review status: criteria provided, single submitter. Criteria: Ambry Variant Classification Scheme 2023. Collection method: clinical testing. Allele origin: germline.

Revvity Omics, Revvity
Classification: Uncertain significance. Last evaluated: 2021-12-14. Review status: criteria provided, single submitter. Criteria: ACMG Guidelines, 2015. Collection method: clinical testing. Allele origin: germline.

Labcorp Genetics (formerly Invitae), Labcorp
Classification: Likely benign. Last evaluated: 2019-12-31. Review status: criteria provided, single submitter. Criteria: Invitae Variant Classification Sherloc (09022015). Collection method: clinical testing. Allele origin: germline.

Fulgent Genetics
Classification: Uncertain significance for Cerebellar ataxia, impaired intellectual development, and dysequilibrium syndrome 2; Hydrocephalus, congenital, 3, with brain anomalies. Last evaluated: 2018-10-31. Review status: criteria provided, single submitter. Criteria: ACMG Guidelines, 2015. Collection method: clinical testing. Allele origin: unknown.

Center for Pediatric Genomic Medicine, Children's Mercy Hospital and Clinics
Classification: Uncertain significance. Last evaluated: 2016-01-11. Review status: criteria provided, single submitter. Criteria: ACMG Guidelines, 2015. Collection method: clinical testing. Allele origin: germline.
ClinVar note: Converted during submission from Uncertain Significance to Uncertain significance.